The following is an entry in ClinVar:

ClinVar aggregate classification (germline): Pathogenic. Review status: criteria provided, multiple submitters, no conflicts (2 of 4 stars). 6 submissions from 6 submitters: Pathogenic (5). 1 of the submissions does not count toward it. Last evaluated 2025-10-28.

Conditions:
Congenital lipoid adrenal hyperplasia due to STAR deficency. Also called: ADRENAL HYPERPLASIA I; Cholesterol monooxygenase (side-chain cleaving) deficiency; Lipoid adrenal hyperplasia; Congenital Lipoid Adrenal Hyperplasia. Identifiers: Orphanet 418, Orphanet 90790, MedGen C0342474, MONDO:0008725, OMIM 201710.

Allele frequency attached by ClinVar (database versions not stated): gnomAD 0.00002 and 0.00003; TOPMed 0.00003; gnomAD exomes 0.00004 and 0.00005; ExAC 0.00005.

Submissions (6):

Natera, Inc.
Classification: Pathogenic for Congenital lipoid adrenal hyperplasia. Last evaluated: 2025-10-28. Review status: criteria provided, single submitter. Criteria: Natera Variant Classification Schema (03/2026). Collection method: clinical testing. Allele origin: germline.
Comment: The c.653C>T variant in STAR is a missense variant predicted to cause substitution of alanine to valine at amino acid 218. This variant is rare in the general population with a frequency below the threshold expected for the associated phenotype(s). This variant has been observed in one or more individuals affected with the associated recessive disease, as either homozygous or compound heterozygous with a second variant (PMID: 34243750, 28467518, 9097960). Given the available evidence, this variant is classified as Pathogenic.

Fulgent Genetics
Classification: Pathogenic for Congenital lipoid adrenal hyperplasia due to STAR deficency. Last evaluated: 2024-04-24. Review status: criteria provided, single submitter. Criteria: ACMG Guidelines, 2015. Collection method: clinical testing. Allele origin: germline.

Labcorp Genetics (formerly Invitae), Labcorp
Classification: Pathogenic. Last evaluated: 2024-02-18. Review status: criteria provided, single submitter. Criteria: Invitae Variant Classification Sherloc (09022015). Collection method: clinical testing. Allele origin: germline.
Comment: This sequence change replaces alanine, which is neutral and non-polar, with valine, which is neutral and non-polar, at codon 218 of the STAR protein (p.Ala218Val). This variant is present in population databases (rs137852690, gnomAD 0.008%). This missense change has been observed in individuals with congenital lipoid adrenal hyperplasia (PMID: 9097960, 10566637, 23748066). It has also been observed to segregate with disease in related individuals. ClinVar contains an entry for this variant (Variation ID: 8993). An algorithm developed to predict the effect of missense changes on protein structure and function (PolyPhen-2) suggests that this variant is likely to be disruptive. Experimental studies have shown that this missense change affects STAR function (PMID: 9097960). For these reasons, this variant has been classified as Pathogenic.

3billion
Classification: Pathogenic for Congenital lipoid adrenal hyperplasia due to STAR deficency. Last evaluated: 2022-09-01. Review status: criteria provided, single submitter. Criteria: ACMG Guidelines, 2015. Collection method: clinical testing. Allele origin: germline. Affected: yes. Observed: 1 homozygote.
Comment: The variant is observed at an extremely low frequency in the gnomAD v2.1.1 dataset (total allele frequency: 0.004%). Functional studies provide strong evidence of the variant having a damaging effect on the gene or gene product (PMID: 9097960). In silico tool predictions suggest damaging effect of the variant on gene or gene product (REVEL: 0.76; 3Cnet: 0.68). Same nucleotide change resulting in same amino acid change has been previously reported as pathogenic/likely pathogenic with strong evidence (PMID: VCV000008993). A different missense change at the same codon (p.Ala218Thr) has been reported to be associated with STAR-related disorder (PMID: 31666050). Therefore, this variant is classified as Pathogenic according to the recommendation of ACMG/AMP guideline.

Women's Health and Genetics/Laboratory Corporation of America, LabCorp
Classification: Pathogenic for Congenital lipoid adrenal hyperplasia due to STAR deficency. Last evaluated: 2022-04-14. Review status: criteria provided, single submitter. Criteria: LabCorp Variant Classification Summary - May 2015. Collection method: clinical testing. Allele origin: germline.
Comment: Variant summary: STAR c.653C>T (p.Ala218Val) results in a non-conservative amino acid change located in the START domain (IPR002913) of the encoded protein sequence. Four of five in-silico tools predict a damaging effect of the variant on protein function. 4/4 computational tools predict no significant impact on normal splicing. However, these predictions have yet to be confirmed by functional studies. The variant allele was found at a frequency of 4e-05 in 251340 control chromosomes. This frequency is not significantly higher than estimated for a pathogenic variant in STAR causing Congenital Lipoid Adrenal Hyperplasia (4e-05 vs 0.0035), allowing no conclusion about variant significance. c.653C>T has been reported in the literature as homozygous and compound heterozygous genotypes in multiple individuals affected with Congenital Lipoid Adrenal Hyperplasia (example, Kang_2017, Wijaya_2021, Nakae_1997). These data indicate that the variant is very likely to be associated with disease. At least one publication reports experimental evidence evaluating an impact on protein function (Nakae_1997). The most pronounced variant effect results in <10% of normal activity. Two clinical diagnostic laboratories have submitted clinical-significance assessments for this variant to ClinVar after 2014 without evidence for independent evaluation. All laboratories classified the variant as pathogenic/likely pathogenic. Based on the evidence outlined above, the variant was classified as pathogenic.

OMIM
Classification: Pathogenic for LIPOID CONGENITAL ADRENAL HYPERPLASIA. Last evaluated: 1999-11-01. Review status: no assertion criteria provided. Collection method: literature only. Allele origin: germline. Not counted in ClinVar's aggregate classification.

Literature cited by the submitters: PubMed 34243750 (cited by Natera, Inc. and Women's Health and Genetics/Laboratory Corporation of America, LabCorp); PubMed 28467518 (cited by Natera, Inc. and Women's Health and Genetics/Laboratory Corporation of America, LabCorp); PubMed 9097960 (cited by 4 submitters); PubMed 10566637 (cited by Labcorp Genetics (formerly Invitae), Labcorp and OMIM); PubMed 23748066 (cited by Labcorp Genetics (formerly Invitae), Labcorp); PubMed 31666050 (cited by 3billion); PubMed 8948562 (cited by Women's Health and Genetics/Laboratory Corporation of America, LabCorp); PubMed 16968793 (cited by Women's Health and Genetics/Laboratory Corporation of America, LabCorp).

NM_000349.3(STAR):c.653C>T (p.Ala218Val)

Gene: STAR (steroidogenic acute regulatory protein; minus strand). Cytogenetic location: 8p11.23.
Variant type: single nucleotide variant.
Coding change: c.653C>T on transcript NM_000349.3 (MANE Select); coding-DNA position 653, C replaced by T.
Protein change: p.Ala218Val; replaces alanine 218 with valine.
Molecular consequence: missense variant.
Genome position (GRCh38, 1-based): chr8:38,145,313, G>A on the plus strand (C>T on the coding strand, the complement: STAR is on the minus strand). VCF-style: chr8-38145313-G-A. GRCh37 (hg19) VCF-style: chr8-38002831-G-A.
Other names: R218V; c.653C>T (NM_000349.2); short protein forms A218V.
Identifiers: ClinVar variation 8993 (VCV000008993.11), dbSNP rs137852690, ClinGen allele CA120040.